The following is an entry in ClinVar:

NM_006648.4(WNK2):c.5368C>T (p.Arg1790Trp)

Gene: WNK2 (WNK lysine deficient protein kinase 2; plus strand). Cytogenetic location: 9q22.31.
Variant type: single nucleotide variant.
Coding change: c.5368C>T on transcript NM_006648.4 (MANE Select); coding-DNA position 5368, C replaced by T.
Protein change: p.Arg1790Trp; replaces arginine 1790 with tryptophan.
Molecular consequence: missense variant.
Genome position (GRCh38, 1-based): chr9:93,292,833, C>T. VCF-style: chr9-93292833-C-T. GRCh37 (hg19) VCF-style: chr9-96055115-C-T.
Other names: c.5479C>T, p.Arg1827Trp (NM_001282394.3); short protein forms R1790W, R1827W.
Identifiers: ClinVar variation 3470294 (VCV003470294.1).

ClinVar aggregate classification (germline): Uncertain significance (1 of 4 stars; one submission).

gnomAD v4.1: 66 of 1,502,240 alleles (0.0044%); highest among the groups gnomAD compares: African/African-American, 0.0098%; no homozygotes.

Submission:

Ambry Genetics
Classification: Uncertain significance. Last evaluated: 2024-11-22. Review status: criteria provided, single submitter. Criteria: Ambry Variant Classification Scheme 2023. Collection method: clinical testing. Allele origin: germline.
Comment: The p.R1790W variant (also known as c.5368C>T), located in coding exon 22 of the WNK2 gene, results from a C to T substitution at nucleotide position 5368. The arginine at codon 1790 is replaced by tryptophan, an amino acid with dissimilar properties. This amino acid position is conserved. In addition, the in silico prediction for this alteration is inconclusive. Based on the available evidence, the clinical significance of this variant remains unclear.